The following is an entry in ClinVar:

ClinVar aggregate classification (germline): Conflicting classifications of pathogenicity. Review status: criteria provided, conflicting classifications (1 of 4 stars). 7 submissions from 7 submitters: Uncertain significance (5); Likely benign (1). 1 of the submissions does not count toward it. Last evaluated 2025-10-01.

Conditions:
ATM-related cancer predisposition. Also called: ATM-related cancer susceptibility. Identifiers: MedGen CN377759, MONDO:0700270.
Hereditary cancer-predisposing syndrome. Also called: Hereditary neoplastic syndrome; Neoplastic Syndromes, Hereditary; Hereditary Cancer Syndrome; Tumor predisposition. Identifiers: Orphanet 140162, MedGen C0027672, MeSH D009386, MONDO:0015356.
Familial cancer of breast. Also called: Hereditary breast cancer; BREAST CANCER, FAMILIAL; hereditary breast carcinoma. Identifiers: Orphanet 227535, MedGen C0346153, MONDO:0016419, OMIM 114480. Disease mechanism: loss of function.
Ataxia-telangiectasia syndrome (AT). Also called: Ataxia telangiectasia (A-T); Cerebello-oculocutaneous telangiectasia; Immunodeficiency with ataxia telangiectasia; Ataxia-telangiectasia; Ataxia-telangiectasia, complementation group D; AT, COMPLEMENTATION GROUP C. Identifiers: Orphanet 100, MedGen C0004135, MONDO:0008840, OMIM 208900.

Allele frequency attached by ClinVar (database versions not stated): gnomAD exomes below 0.00001.
gnomAD v4.1: 2 of 1,613,602 alleles (0.00012%); highest among the groups gnomAD compares: East Asian, 0.0022%; no homozygotes.

Submissions (7):

Ambry Genetics
Classification: Likely benign for Hereditary cancer-predisposing syndrome. Last evaluated: 2025-10-01. Review status: criteria provided, single submitter. Criteria: Ambry Variant Classification Scheme 2023. Collection method: clinical testing. Allele origin: germline.

Labcorp Genetics (formerly Invitae), Labcorp
Classification: Uncertain significance for Ataxia-telangiectasia syndrome. Last evaluated: 2025-03-25. Review status: criteria provided, single submitter. Criteria: Invitae Variant Classification Sherloc (09022015). Collection method: clinical testing. Allele origin: germline.
Comment: This sequence change replaces histidine, which is basic and polar, with arginine, which is basic and polar, at codon 993 of the ATM protein (p.His993Arg). This variant is not present in population databases (gnomAD no frequency). This variant has not been reported in the literature in individuals affected with ATM-related conditions. ClinVar contains an entry for this variant (Variation ID: 236696). Invitae Evidence Modeling of protein sequence and biophysical properties (such as structural, functional, and spatial information, amino acid conservation, physicochemical variation, residue mobility, and thermodynamic stability) indicates that this missense variant is not expected to disrupt ATM protein function with a negative predictive value of 95%. In summary, the available evidence is currently insufficient to determine the role of this variant in disease. Therefore, it has been classified as a Variant of Uncertain Significance.

Department of Pathology and Laboratory Medicine, Sinai Health System
Classification: Uncertain significance for ATM-related cancer predisposition. Last evaluated: 2024-08-07. Review status: criteria provided, single submitter. Criteria: ACMG Guidelines, 2015. Collection method: clinical testing. Allele origin: germline.

Baylor Genetics
Classification: Uncertain significance for Familial cancer of breast. Last evaluated: 2023-10-16. Review status: criteria provided, single submitter. Criteria: ACMG Guidelines, 2015. Collection method: clinical testing. Allele origin: unknown.

Color Diagnostics, LLC DBA Color Health
Classification: Uncertain significance for Hereditary cancer-predisposing syndrome. Last evaluated: 2022-03-29. Review status: criteria provided, single submitter. Criteria: ACMG Guidelines, 2015. Collection method: clinical testing. Allele origin: germline.
Comment: This missense variant replaces histidine with arginine at codon 993 of the ATM protein. Computational prediction suggests that this variant may not impact protein structure and function (internally defined REVEL score threshold <= 0.5, PMID: 27666373). To our knowledge, functional studies have not been reported for this variant. This variant has not been reported in individuals affected with hereditary cancer in the literature. This variant has not been identified in the general population by the Genome Aggregation Database (gnomAD). The available evidence is insufficient to determine the role of this variant in disease conclusively. Therefore, this variant is classified as a Variant of Uncertain Significance.

GeneDx
Classification: Uncertain significance. Last evaluated: 2022-03-18. Review status: criteria provided, single submitter. Criteria: GeneDx Variant Classification Process June 2021. Collection method: clinical testing. Allele origin: germline. Affected: yes.
Comment: Not observed in large population cohorts (gnomAD); In silico analysis supports that this missense variant does not alter protein structure/function; Has not been previously published as pathogenic or benign to our knowledge

Natera, Inc.
Classification: Uncertain significance for Ataxia-telangiectasia. Last evaluated: 2020-08-04. Review status: no assertion criteria provided. Collection method: clinical testing. Allele origin: germline. Not counted in ClinVar's aggregate classification.

Literature cited by the submitters: PubMed 40580951 (cited by Ambry Genetics); PubMed 33471991 (cited by Department of Pathology and Laboratory Medicine, Sinai Health System).

NM_000051.4(ATM):c.2978A>G (p.His993Arg)

Gene: ATM (ATM serine/threonine kinase; plus strand). Cytogenetic location: 11q22.3.
Variant type: single nucleotide variant.
Coding change: c.2978A>G on transcript NM_000051.4 (MANE Select); coding-DNA position 2978, A replaced by G.
Protein change: p.His993Arg; replaces histidine 993 with arginine.
Molecular consequence: missense variant.
Genome position (GRCh38, 1-based): chr11:108,271,307, A>G. VCF-style: chr11-108271307-A-G. GRCh37 (hg19) VCF-style: chr11-108142034-A-G.
Other names: c.2978A>G, p.His993Arg (NM_001351834.2); short protein forms H993R.
Identifiers: ClinVar variation 236696 (VCV000236696.28), dbSNP rs878853498, ClinGen allele CA10582807.